The following is an entry in ClinVar:

NM_003200.5(TCF3):c.1297A>G (p.Met433Val)

Gene: TCF3 (transcription factor 3; minus strand). Cytogenetic location: 19p13.3.
Variant type: single nucleotide variant.
Coding change: c.1297A>G on transcript NM_003200.5 (MANE Select); coding-DNA position 1297, A replaced by G.
Protein change: p.Met433Val; replaces methionine 433 with valine.
Molecular consequence: missense variant.
Genome position (GRCh38, 1-based): chr19:1,619,345, T>C on the plus strand (A>G on the coding strand, the complement: TCF3 is on the minus strand). VCF-style: chr19-1619345-T-C. GRCh37 (hg19) VCF-style: chr19-1619344-T-C.
Other names: c.1297A>G, p.Met433Val (NM_001136139.4, NM_001351779.2); c.1294A>G, p.Met432Val (NM_001351778.2); c.1297A>G (NM_003200.3); short protein forms M432V, M433V.
Identifiers: ClinVar variation 1470950 (VCV001470950.7), dbSNP rs565387667, ClinGen allele CA9049947.
Genomic context (GRCh38, chr19:1,619,345, plus strand): 5'-CTGCCCAGCTCCACCCTCGCCCAGCGCTCACCAGGCCTGCGTGCCGCCCGCCCAGTGACA[T>C]GGGGCCGGTGAAACCTGAGGCCAGCGCCCCGTGGCCAGGCAGCAGCGTGTGCATGTCGCC-3'
Protein context (NP_003191.1, residues 423-443): GALASGFTGP[Met433Val]SLGGRHAGLV

ClinVar aggregate classification (germline): Uncertain significance. Review status: criteria provided, multiple submitters, no conflicts (2 of 4 stars). 2 submissions from 2 submitters: Uncertain significance (2). Last evaluated 2025-08-10.

Conditions:
Inborn genetic diseases. Identifiers: MedGen C0950123, MeSH D030342.

Allele frequency attached by ClinVar (database versions not stated): gnomAD exomes below 0.00001 and 0.00001; ExAC 0.00003; TOPMed 0.00003; gnomAD 0.00004; 1000 Genomes Project 30x 0.00016; 1000 Genomes Project 0.00020.
gnomAD v4.1: 11 of 1,582,992 alleles (0.00069%); highest among the groups gnomAD compares: African/African-American, 0.0054%; no homozygotes.

Submissions (2):

Ambry Genetics
Classification: Uncertain significance for Inborn genetic diseases. Last evaluated: 2025-08-10. Review status: criteria provided, single submitter. Criteria: Ambry Variant Classification Scheme 2023. Collection method: clinical testing. Allele origin: germline.

Labcorp Genetics (formerly Invitae), Labcorp
Classification: Uncertain significance. Last evaluated: 2020-10-24. Review status: criteria provided, single submitter. Criteria: Invitae Variant Classification Sherloc (09022015). Collection method: clinical testing. Allele origin: germline.
Comment: In summary, the available evidence is currently insufficient to determine the role of this variant in disease. Therefore, it has been classified as a Variant of Uncertain Significance. Algorithms developed to predict the effect of missense changes on protein structure and function output the following: SIFT: "Not Available"; PolyPhen-2: "Benign"; Align-GVGD: "Not Available". The valine amino acid residue is found in multiple mammalian species, suggesting that this missense change does not adversely affect protein function. These predictions have not been confirmed by published functional studies and their clinical significance is uncertain. This variant has not been reported in the literature in individuals with TCF3-related conditions. This variant is present in population databases (rs565387667, ExAC 0.01%). This sequence change replaces methionine with valine at codon 433 of the TCF3 protein (p.Met433Val). The methionine residue is weakly conserved and there is a small physicochemical difference between methionine and valine.